The following is an entry in ClinVar:

NM_000548.5(TSC2):c.252_304del (p.Val85fs)

Gene: TSC2 (TSC complex subunit 2; plus strand). Cytogenetic location: 16p13.3.
Variant type: Deletion.
Coding change: c.252_304del on transcript NM_000548.5 (MANE Select); coding-DNA positions 252 to 304, 53 bases deleted.
Protein change: p.Val85fs; shifts the reading frame from valine 85.
Molecular consequence: frameshift variant. On other transcripts: intron variant (2).
Genome position (GRCh38, 1-based): chr16:2,053,368-2,053,420, 53 bases deleted. GRCh37 (hg19): chr16:2,103,369-2,103,421.
Other names: c.252_304del, p.Val85fs (NM_001077183.3, NM_001114382.3, NM_001363528.2 and 3 more transcripts); c.105_157del, p.Val36fs (NM_001318829.2); c.285_337del, p.Val96fs (NM_001318832.2); c.252_304del53, p.Val85Glyfs (NM_001406663.1, NM_001406664.1, NM_001406665.1 and 4 more transcripts); c.105_157del53, p.Val36Glyfs (NM_001406675.1, NM_001406676.1, NM_001406677.1 and 1 more transcripts); c.-565_-513del53 (NM_001406680.1, NM_001406683.1, NM_001406687.1); c.-194_-142del53 (NM_001406681.1); c.-1180_-1128del53 (NM_001406689.1, NM_001406690.1, NM_001406691.1 and 2 more transcripts); and 6 more; short protein forms V96fs, V36fs, V85fs.
Identifiers: ClinVar variation 2027430 (VCV002027430.4), dbSNP rs2548396741, ClinGen allele CA2580090618.

ClinVar aggregate classification (germline): Pathogenic (1 of 4 stars; one submission).

Conditions:
Tuberous sclerosis 2 (TSC2). Identifiers: Orphanet 805, MedGen C1860707, MONDO:0013199, OMIM 613254.

Submission:

Labcorp Genetics (formerly Invitae), Labcorp
Classification: Pathogenic for Tuberous sclerosis 2. Last evaluated: 2022-08-27. Review status: criteria provided, single submitter. Criteria: Invitae Variant Classification Sherloc (09022015). Collection method: clinical testing. Allele origin: germline.
Comment: This variant is not present in population databases (gnomAD no frequency). This variant has not been reported in the literature in individuals affected with TSC2-related conditions. This sequence change creates a premature translational stop signal (p.Val85Glyfs*23) in the TSC2 gene. It is expected to result in an absent or disrupted protein product. Loss-of-function variants in TSC2 are known to be pathogenic (PMID: 10205261, 17304050). Algorithms developed to predict the effect of sequence changes on RNA splicing suggest that this variant may disrupt the consensus splice site. For these reasons, this variant has been classified as Pathogenic.

Literature cited by the submitters: PubMed 10205261; PubMed 17304050.